The following is an entry in ClinVar:

ClinVar aggregate classification (germline): Benign (0 of 4 stars; one submission).

Conditions:
HAVCR1-related disorder. Also called: HAVCR1-related condition.

Allele frequency attached by ClinVar (database versions not stated): 1000 Genomes Project 30x 0.17411; 1000 Genomes Project 0.17672; ESP Exome Variant Server 0.20648; gnomAD 0.21126; TOPMed 0.21355; ExAC 0.24474; gnomAD exomes 0.24886.
gnomAD v4.1: 365,016 of 1,492,182 alleles (24%); highest among the groups gnomAD compares: Admixed American, 37%; 47,674 homozygotes.

Submission:

PreventionGenetics, part of Exact Sciences
Classification: Benign for HAVCR1-related condition. Last evaluated: 2019-10-17. Review status: no assertion criteria provided. Collection method: clinical testing. Allele origin: germline.
Comment: This variant is classified as benign based on ACMG/AMP sequence variant interpretation guidelines (Richards et al. 2015 PMID: 25741868, with internal and published modifications).

NM_001173393.3(HAVCR1):c.986+9G>A

Gene: HAVCR1 (hepatitis A virus cellular receptor 1; minus strand). Cytogenetic location: 5q33.3.
Variant type: single nucleotide variant.
Coding change: c.986+9G>A on transcript NM_001173393.3 (MANE Select); 9 bases into the intron after coding-DNA position 986, G replaced by A.
Molecular consequence: intron variant.
Genome position (GRCh38, 1-based): chr5:157,032,845, C>T on the plus strand (G>A on the coding strand, the complement: HAVCR1 is on the minus strand). VCF-style: chr5-157032845-C-T. GRCh37 (hg19) VCF-style: chr5-156459856-C-T.
Other names: c.953-3004G>A (NM_001308156.2); c.986+9G>A (NM_012206.3).
Identifiers: ClinVar variation 3059623 (VCV003059623.2), dbSNP rs34670839, ClinGen allele CA3531379.